The following is an entry in ClinVar:

ClinVar aggregate classification (germline): Uncertain significance. Review status: criteria provided, multiple submitters, no conflicts (2 of 4 stars). 2 submissions from 2 submitters: Uncertain significance (2). Last evaluated 2025-03-08.

Allele frequency attached by ClinVar (database versions not stated): TOPMed 0.00002.
gnomAD v4.1: 37 of 1,551,746 alleles (0.0024%); highest among the groups gnomAD compares: Middle Eastern, 0.017%; no homozygotes.

Submissions (2):

Ambry Genetics
Classification: Uncertain significance. Last evaluated: 2025-03-08. Review status: criteria provided, single submitter. Criteria: Ambry Variant Classification Scheme 2023. Collection method: clinical testing. Allele origin: germline.

Labcorp Genetics (formerly Invitae), Labcorp
Classification: Uncertain significance. Last evaluated: 2025-01-13. Review status: criteria provided, single submitter. Criteria: Invitae Variant Classification Sherloc (09022015). Collection method: clinical testing. Allele origin: germline.
Comment: This sequence change replaces valine, which is neutral and non-polar, with leucine, which is neutral and non-polar, at codon 471 of the DTHD1 protein (p.Val471Leu). This variant is present in population databases (rs542659542, gnomAD 0.006%). This variant has not been reported in the literature in individuals affected with DTHD1-related conditions. ClinVar contains an entry for this variant (Variation ID: 942384). An algorithm developed to predict the effect of missense changes on protein structure and function outputs the following: PolyPhen-2: "Benign". The leucine amino acid residue is found in multiple mammalian species, which suggests that this missense change does not adversely affect protein function. In summary, the available evidence is currently insufficient to determine the role of this variant in disease. Therefore, it has been classified as a Variant of Uncertain Significance.

NM_001170700.3(DTHD1):c.2281G>C (p.Val761Leu)

Gene: DTHD1 (death domain containing 1; plus strand). Cytogenetic location: 4p14.
Variant type: single nucleotide variant.
Coding change: c.2281G>C on transcript NM_001170700.3 (MANE Select); coding-DNA position 2281, G replaced by C.
Protein change: p.Val761Leu; replaces valine 761 with leucine.
Molecular consequence: missense variant. On other transcripts: non-coding transcript variant (2).
Genome position (GRCh38, 1-based): chr4:36,316,427, G>C. VCF-style: chr4-36316427-G-C. GRCh37 (hg19) VCF-style: chr4-36318049-G-C.
Other names: c.1906G>C (NM_001170700.1); c.1411G>C, p.Val471Leu (NM_001136536.5); c.1348G>C, p.Val450Leu (NM_001378435.1); short protein forms V450L, V761L, V471L.
Identifiers: ClinVar variation 942384 (VCV000942384.8), dbSNP rs542659542, ClinGen allele CA2885722.